The following is an entry in ClinVar:

NM_020778.5(ALPK3):c.4900C>G (p.Gln1634Glu)

Gene: ALPK3 (alpha kinase 3; plus strand). Cytogenetic location: 15q25.3.
Variant type: single nucleotide variant.
Coding change: c.4900C>G on transcript NM_020778.5 (MANE Select); coding-DNA position 4900, C replaced by G.
Protein change: p.Gln1634Glu; replaces glutamine 1634 with glutamic acid.
Molecular consequence: missense variant.
Genome position (GRCh38, 1-based): chr15:84,868,238, C>G. VCF-style: chr15-84868238-C-G. GRCh37 (hg19) VCF-style: chr15-85411469-C-G.
Other names: c.5506C>G (NM_020778.4); short protein forms Q1634E.
Identifiers: ClinVar variation 3646734 (VCV003646734.3).

ClinVar aggregate classification (germline): Uncertain significance. Review status: criteria provided, multiple submitters, no conflicts (2 of 4 stars). 2 submissions from 2 submitters: Uncertain significance (2). Last evaluated 2025-02-20.

Conditions:
Cardiovascular phenotype. Identifiers: MedGen CN230736.

Submissions (2):

Ambry Genetics
Classification: Uncertain significance for Cardiovascular phenotype. Last evaluated: 2025-02-20. Review status: criteria provided, single submitter. Criteria: Ambry Variant Classification Scheme 2023. Collection method: clinical testing. Allele origin: germline.
Comment: The p.Q1836E variant (also known as c.5506C>G), located in coding exon 14 of the ALPK3 gene, results from a C to G substitution at nucleotide position 5506. The glutamine at codon 1836 is replaced by glutamic acid, an amino acid with highly similar properties. This amino acid position is conserved. In addition, this alteration is predicted to be tolerated by in silico analysis. Based on the available evidence, the clinical significance of this variant remains unclear.

Labcorp Genetics (formerly Invitae), Labcorp
Classification: Uncertain significance. Last evaluated: 2024-03-19. Review status: criteria provided, single submitter. Criteria: Invitae Variant Classification Sherloc (09022015). Collection method: clinical testing. Allele origin: germline.
Comment: This sequence change replaces glutamine, which is neutral and polar, with glutamic acid, which is acidic and polar, at codon 1836 of the ALPK3 protein (p.Gln1836Glu). This variant is not present in population databases (gnomAD no frequency). This variant has not been reported in the literature in individuals affected with ALPK3-related conditions. An algorithm developed to predict the effect of missense changes on protein structure and function (PolyPhen-2) suggests that this variant is likely to be disruptive. In summary, the available evidence is currently insufficient to determine the role of this variant in disease. Therefore, it has been classified as a Variant of Uncertain Significance.